The following is an entry in ClinVar:

NM_000292.3(PHKA2):c.1603G>A (p.Asp535Asn)

Gene: PHKA2 (phosphorylase kinase regulatory subunit alpha 2; minus strand). Cytogenetic location: Xp22.13.
Variant type: single nucleotide variant.
Coding change: c.1603G>A on transcript NM_000292.3 (MANE Select); coding-DNA position 1603, G replaced by A.
Protein change: p.Asp535Asn; replaces aspartic acid 535 with asparagine.
Molecular consequence: missense variant.
Genome position (GRCh38, 1-based): chrX:18,924,492, C>T on the plus strand (G>A on the coding strand, the complement: PHKA2 is on the minus strand). VCF-style: chrX-18924492-C-T. GRCh37 (hg19) VCF-style: chrX-18942610-C-T.
Other names: c.1603G>A (NM_000292.2); short protein forms D535N.
Identifiers: ClinVar variation 1508822 (VCV001508822.11), dbSNP rs756254299, ClinGen allele CA10361840.

ClinVar aggregate classification (germline): Conflicting classifications of pathogenicity. Review status: criteria provided, conflicting classifications (1 of 4 stars). 3 submissions from 3 submitters: Likely pathogenic (1); Uncertain significance (2). Last evaluated 2025-05-14.

Conditions:
Inborn genetic diseases. Identifiers: MedGen C0950123, MeSH D030342.
Glycogen storage disease IXa1. Also called: GLYCOGEN STORAGE DISEASE VIII; GSD VIII; Glycogen storage disease 8; LIVER GLYCOGENOSIS, X-LINKED, TYPE I. Identifiers: Orphanet 264580, MedGen C3694531, MONDO:0010598, OMIM 306000.

Allele frequency attached by ClinVar (database versions not stated): gnomAD exomes 0.00001; ExAC 0.00003; gnomAD 0.00003; TOPMed 0.00003.
gnomAD v4.1: 15 of 1,208,923 alleles (0.0012%); highest among the groups gnomAD compares: Admixed American, 0.0022%; no homozygotes.

Submissions (3):

Ambry Genetics
Classification: Uncertain significance for Inborn genetic diseases. Last evaluated: 2025-05-14. Review status: criteria provided, single submitter. Criteria: Ambry Variant Classification Scheme 2023. Collection method: clinical testing. Allele origin: germline.

Labcorp Genetics (formerly Invitae), Labcorp
Classification: Uncertain significance for Glycogen storage disease IXa1. Last evaluated: 2021-02-10. Review status: criteria provided, single submitter. Criteria: Invitae Variant Classification Sherloc (09022015). Collection method: clinical testing. Allele origin: germline.
Comment: In summary, the available evidence is currently insufficient to determine the role of this variant in disease. Therefore, it has been classified as a Variant of Uncertain Significance. Algorithms developed to predict the effect of missense changes on protein structure and function are either unavailable or do not agree on the potential impact of this missense change (SIFT: "Deleterious"; PolyPhen-2: "Probably Damaging"; Align-GVGD: "Class C0"). This variant has not been reported in the literature in individuals with PHKA2-related conditions. This variant is present in population databases (rs756254299, ExAC 0.01%). This sequence change replaces aspartic acid with asparagine at codon 535 of the PHKA2 protein (p.Asp535Asn). The aspartic acid residue is highly conserved and there is a small physicochemical difference between aspartic acid and asparagine.

Juno Genomics, Hangzhou Juno Genomics, Inc
Classification: Likely pathogenic for Glycogen storage disease IXa1. Review status: criteria provided, single submitter. Criteria: ACMG Guidelines, 2015. Collection method: clinical testing. Allele origin: germline. Affected: yes.
Comment: Absent from controls (or at extremely low frequency if recessive) in Genome Aggregation Database, Exome Sequencing Project, 1000 Genomes Project, or Exome Aggregation Consortium.;Multiple lines of computational evidence support a deleterious effect on the gene or gene product (conservation, evolutionary, splicing impact, etc).;Patient's phenotype or family history is highly specific for a disease with a single genetic etiology.